The following is an entry in ClinVar:

NM_006269.2(RP1):c.3134C>G (p.Ser1045Ter)

Gene: RP1 (RP1 axonemal microtubule associated; plus strand). Cytogenetic location: 8q12.1.
Variant type: single nucleotide variant.
Coding change: c.3134C>G on transcript NM_006269.2 (MANE Select); coding-DNA position 3134, C replaced by G.
Protein change: p.Ser1045Ter; replaces serine 1045 with a stop codon.
Molecular consequence: nonsense. On other transcripts: intron variant (1).
Genome position (GRCh38, 1-based): chr8:54,627,016, C>G. VCF-style: chr8-54627016-C-G. GRCh37 (hg19) VCF-style: chr8-55539576-C-G.
Other names: c.787+4728C>G (NM_001375654.1); short protein forms S1045*.
Identifiers: ClinVar variation 956253 (VCV000956253.9), dbSNP rs1806079109, ClinGen allele CA370995563.

ClinVar aggregate classification (germline): Pathogenic (1 of 4 stars; one submission).

Submission:

Labcorp Genetics (formerly Invitae), Labcorp
Classification: Pathogenic. Last evaluated: 2024-10-15. Review status: criteria provided, single submitter. Criteria: Invitae Variant Classification Sherloc (09022015). Collection method: clinical testing. Allele origin: germline.
Comment: This sequence change creates a premature translational stop signal (p.Ser1045*) in the RP1 gene. While this is not anticipated to result in nonsense mediated decay, it is expected to disrupt the last 1112 amino acid(s) of the RP1 protein. This variant is not present in population databases (gnomAD no frequency). This premature translational stop signal has been observed in individual(s) with clinical features of autosomal recessive retinitis pigmentosa (internal data). ClinVar contains an entry for this variant (Variation ID: 956253). This variant disrupts the C-terminus of the RP1 protein. Many variants that disrupt this region have been reported in individuals with either autosomal dominant or autosomal recessive retinitis pigmentosa (PMID: 11527933, 19933189, 29425069, 30027431, 33681214). Therefore, variants that disrupt this region are expected to be disease-causing. For these reasons, this variant has been classified as Pathogenic.

Literature cited by the submitters: PubMed 11527933; PubMed 19933189; PubMed 29425069; PubMed 30027431; PubMed 33681214.